The following is an entry in ClinVar:

NM_001366521.1(ATP2B1):c.2558C>G (p.Ser853Ter)

Gene: ATP2B1 (ATPase plasma membrane Ca2+ transporting 1; minus strand). Cytogenetic location: 12q21.33.
Variant type: single nucleotide variant.
Coding change: c.2558C>G on transcript NM_001366521.1 (MANE Select); coding-DNA position 2558, C replaced by G.
Protein change: p.Ser853Ter; replaces serine 853 with a stop codon.
Molecular consequence: nonsense. On other transcripts: non-coding transcript variant (3).
Genome position (GRCh38, 1-based): chr12:89,604,231, G>C on the plus strand (C>G on the coding strand, the complement: ATP2B1 is on the minus strand). VCF-style: chr12-89604231-G-C. GRCh37 (hg19) VCF-style: chr12-89998008-G-C.
Other names: c.2558C>G, p.Ser853Ter (NM_001001323.2, NM_001366520.1, NM_001366522.1 and 12 more transcripts); c.2360C>G, p.Ser787Ter (NM_001366530.1, NM_001413053.1); c.1997C>G, p.Ser666Ter (NM_001366531.1, NM_001366532.1, NM_001413058.1 and 2 more transcripts); c.2519C>G, p.Ser840Ter (NM_001413048.1); c.2417C>G, p.Ser806Ter (NM_001413051.1, NM_001413052.1, NM_001413055.1); c.2315C>G, p.Ser772Ter (NM_001413054.1); c.2303C>G, p.Ser768Ter (NM_001413056.1); c.2105C>G, p.Ser702Ter (NM_001413057.1); short protein forms S666*, S702*, S768*, S772*, S787*, S806*, S840*, S853*.
Identifiers: ClinVar variation 3338182 (VCV003338182.2).
Genomic context (GRCh38, chr12:89,604,231, plus strand): 5'-CCCGTAAAAGCAACAATCACTGCTACTACATTAACAGTAAGTTGGAACTGAAGGAATTTT[G>C]AGATGCTGTCATAGACATTTCGTCCCCACATAACTGCTTTAACAATGCTTGTAAAGTTGT-3'

ClinVar aggregate classification (germline): Likely pathogenic (0 of 4 stars; one submission).

Conditions:
Autism (AUTS). Also called: Autistic disorder of childhood onset; Autistic disorder. Identifiers: MedGen C0004352, MeSH D001321, MONDO:0005260, OMIM 209850, HP:0000717.

Submission:

Centre for Addiction & Mental Health
Classification: Likely pathogenic for Autism. Review status: no assertion criteria provided. Collection method: research. Allele origin: de novo. Affected: yes. Observed: 1 heterozygote. Segregation with disease not observed.
Comment: de novo loss-of-function variant in known disesae gene